The following is an entry in ClinVar:

NM_001163435.3(TBCK):c.743A>T (p.Asp248Val)

Gene: TBCK (TBC1 domain containing kinase; minus strand). Cytogenetic location: 4q24.
Variant type: single nucleotide variant.
Coding change: c.743A>T on transcript NM_001163435.3 (MANE Select); coding-DNA position 743, A replaced by T.
Protein change: p.Asp248Val; replaces aspartic acid 248 with valine.
Molecular consequence: missense variant.
Genome position (GRCh38, 1-based): chr4:106,248,284, T>A on the plus strand (A>T on the coding strand, the complement: TBCK is on the minus strand). VCF-style: chr4-106248284-T-A. GRCh37 (hg19) VCF-style: chr4-107169441-T-A.
Other names: c.743A>T, p.Asp248Val (NM_001163436.4); c.626A>T, p.Asp209Val (NM_001163437.3); c.227A>T, p.Asp76Val (NM_001290768.2); c.554A>T, p.Asp185Val (NM_033115.5); short protein forms D209V, D185V, D76V, D248V.
Identifiers: ClinVar variation 1491023 (VCV001491023.6), dbSNP rs2150053662, ClinGen allele CA357825012.

ClinVar aggregate classification (germline): Uncertain significance (1 of 4 stars; one submission).

Submission:

Labcorp Genetics (formerly Invitae), Labcorp
Classification: Uncertain significance. Last evaluated: 2021-09-17. Review status: criteria provided, single submitter. Criteria: Invitae Variant Classification Sherloc (09022015). Collection method: clinical testing. Allele origin: germline.
Comment: In summary, the available evidence is currently insufficient to determine the role of this variant in disease. Therefore, it has been classified as a Variant of Uncertain Significance. Algorithms developed to predict the effect of missense changes on protein structure and function (SIFT, PolyPhen-2, Align-GVGD) all suggest that this variant is likely to be tolerated. This variant has not been reported in the literature in individuals affected with TBCK-related conditions. This variant is not present in population databases (ExAC no frequency). This sequence change replaces aspartic acid with valine at codon 248 of the TBCK protein (p.Asp248Val). The aspartic acid residue is weakly conserved and there is a large physicochemical difference between aspartic acid and valine.